The following is an entry in ClinVar:

NM_007294.4(BRCA1):c.3891_3896del (p.Ser1298_Gln1299del)

Genes: BRCA1 (BRCA1 DNA repair associated; minus strand), LOC126862571 (BRD4-independent group 4 enhancer GRCh37_chr17:41243136-41244335; plus strand). Cytogenetic location: 17q21.31.
Variant type: Deletion.
Coding change: c.3891_3896del on transcript NM_007294.4 (MANE Select); coding-DNA positions 3891 to 3896, 6 bases deleted (TTCACA; older notation c.3891_3896delTTCACA).
Protein change: p.Ser1298_Gln1299del.
Molecular consequence: inframe deletion. On other transcripts: intron variant (135).
Genome position (GRCh38, 1-based): chr17:43,091,635-43,091,640, TGTGAA deleted on the plus strand (TTCACA on the coding strand, the reverse complement: BRCA1 is on the minus strand). VCF-style (leftmost placement, unchanged base first): chr17-43091634-CTGTGAA-C. GRCh37 (hg19) VCF-style: chr17-41243651-CTGTGAA-C.
Other names: c.3678_3683del, p.Ser1227_Gln1228del (NM_001407571.1, NM_001407853.1, NM_001407894.1 and 9 more transcripts); c.3891_3896del, p.Ser1298_Gln1299del (NM_001407581.1, NM_001407582.1, NM_001407583.1 and 30 more transcripts); c.3888_3893del, p.Ser1297_Gln1298del (NM_001407587.1, NM_001407590.1, NM_001407591.1 and 22 more transcripts); c.3882_3887del, p.Ser1295_Gln1296del (NM_001407646.1, NM_001407647.1); c.3768_3773del, p.Ser1257_Gln1258del (NM_001407648.1, NM_001407664.1, NM_001407665.1 and 19 more transcripts); c.3765_3770del, p.Ser1256_Gln1257del (NM_001407649.1, NM_001407670.1, NM_001407671.1 and 11 more transcripts); c.3813_3818del, p.Ser1272_Gln1273del (NM_001407653.1, NM_001407654.1, NM_001407655.1 and 4 more transcripts); c.3810_3815del, p.Ser1271_Gln1272del (NM_001407659.1, NM_001407660.1, NM_001407661.1 and 1 more transcripts); and 41 more.
Identifiers: ClinVar variation 1735900 (VCV001735900.7), dbSNP rs2552126269, ClinGen allele CA2580094263.

ClinVar aggregate classification (germline): Uncertain significance. Review status: criteria provided, multiple submitters, no conflicts (2 of 4 stars). 2 submissions from 2 submitters: Uncertain significance (2). Last evaluated 2022-08-05.

Conditions:
Hereditary cancer-predisposing syndrome. Also called: Neoplastic Syndromes, Hereditary; Tumor predisposition; Hereditary Cancer Syndrome; Hereditary neoplastic syndrome. Identifiers: Orphanet 140162, MedGen C0027672, MeSH D009386, MONDO:0015356.
Hereditary breast ovarian cancer syndrome. Also called: Hereditary breast and ovarian cancer syndrome; Breast and ovarian cancer; Hereditary breast and/or ovarian cancer syndrome; Hereditary breast and ovarian cancer; BRCA1- and BRCA2-Associated Hereditary Breast and Ovarian Cancer; Hereditary breast and ovarian cancer syndrome (HBOC). Identifiers: Orphanet 145, MedGen C0677776, MeSH D061325, MONDO:0003582. Disease mechanism: loss of function.

Submissions (2):

Ambry Genetics
Classification: Uncertain significance for Hereditary cancer-predisposing syndrome. Last evaluated: 2022-08-05. Review status: criteria provided, single submitter. Criteria: Ambry Variant Classification Scheme 2023. Collection method: clinical testing. Allele origin: germline.
Comment: The c.3891_3896delTTCACA variant (also known as p.S1298_Q1299del) is located in coding exon 9 of the BRCA1 gene. This variant results from an in-frame TTCACA deletion at nucleotide positions 3891 to 3896. This results in the in-frame deletion of serine and glutamine residues at codons 1298 and 1299. These amino acid positions are well conserved in available vertebrate species. Since supporting evidence is limited at this time, the clinical significance of this alteration remains unclear.

Labcorp Genetics (formerly Invitae), Labcorp
Classification: Uncertain significance for Hereditary breast ovarian cancer syndrome. Last evaluated: 2022-05-24. Review status: criteria provided, single submitter. Criteria: Invitae Variant Classification Sherloc (09022015). Collection method: clinical testing. Allele origin: germline.
Comment: In summary, the available evidence is currently insufficient to determine the role of this variant in disease. Therefore, it has been classified as a Variant of Uncertain Significance. Experimental studies and prediction algorithms are not available or were not evaluated, and the functional significance of this variant is currently unknown. This variant has not been reported in the literature in individuals affected with BRCA1-related conditions. This variant is not present in population databases (gnomAD no frequency). This variant, c.3891_3896del, results in the deletion of 2 amino acid(s) of the BRCA1 protein (p.Ser1298_Gln1299del), but otherwise preserves the integrity of the reading frame.